The following is an entry in ClinVar:

NM_001470.4(GABBR1):c.2260A>G (p.Ile754Val)

Gene: GABBR1 (gamma-aminobutyric acid type B receptor subunit 1; minus strand). Cytogenetic location: 6p22.1.
Variant type: single nucleotide variant.
Coding change: c.2260A>G on transcript NM_001470.4 (MANE Select); coding-DNA position 2260, A replaced by G.
Protein change: p.Ile754Val; replaces isoleucine 754 with valine.
Molecular consequence: missense variant.
Genome position (GRCh38, 1-based): chr6:29,606,442, T>C on the plus strand (A>G on the coding strand, the complement: GABBR1 is on the minus strand). VCF-style: chr6-29606442-T-C. GRCh37 (hg19) VCF-style: chr6-29574219-T-C.
Other names: c.1729A>G, p.Ile577Val (NM_001319053.2); c.1909A>G, p.Ile637Val (NM_021903.3); c.2074A>G, p.Ile692Val (NM_021904.4); short protein forms I577V, I692V, I754V, I637V.
Identifiers: ClinVar variation 4261078 (VCV004261078.2).

ClinVar aggregate classification (germline): Uncertain significance. Review status: criteria provided, multiple submitters, no conflicts (2 of 4 stars). 2 submissions from 2 submitters: Uncertain significance (2). Last evaluated 2026-02-09.

gnomAD v4.1: 6 of 1,613,028 alleles (0.00037%); highest among the groups gnomAD compares: Non-Finnish European, 0.00051%; no homozygotes.

Submissions (2):

Women's Health and Genetics/Laboratory Corporation of America, LabCorp
Classification: Uncertain significance. Last evaluated: 2026-02-09. Review status: criteria provided, single submitter. Criteria: LabCorp Variant Classification Summary - May 2015. Collection method: clinical testing. Allele origin: germline.
Comment: Variant summary: GABBR1 c.2260A>G (p.Ile754Val) results in a conservative amino acid change in the encoded protein sequence. Algorithms developed to predict the effect of missense changes on protein structure and function are either unavailable or do not agree on the potential impact of this missense change. The variant allele was found at a frequency of 4.1e-06 in 246790 control chromosomes. The available data on variant occurrences in the general population are insufficient to allow any conclusion about variant significance. To our knowledge, no occurrence of c.2260A>G in individuals affected with GABBR1-related conditions and no experimental evidence demonstrating its impact on protein function have been reported. ClinVar contains an entry for this variant (Variation ID: 4261078). Based on the evidence outlined above, the variant was classified as uncertain significance.

Ambry Genetics
Classification: Uncertain significance. Last evaluated: 2025-08-22. Review status: criteria provided, single submitter. Criteria: Ambry Variant Classification Scheme 2023. Collection method: clinical testing. Allele origin: germline.